The following is an entry in ClinVar:

NM_004415.4(DSP):c.8477G>A (p.Arg2826His)

Gene: DSP (desmoplakin; plus strand). Cytogenetic location: 6p24.3.
Variant type: single nucleotide variant.
Coding change: c.8477G>A on transcript NM_004415.4 (MANE Select); coding-DNA position 8477, G replaced by A.
Protein change: p.Arg2826His; replaces arginine 2826 with histidine.
Molecular consequence: missense variant.
Genome position (GRCh38, 1-based): chr6:7,585,739, G>A. VCF-style: chr6-7585739-G-A. GRCh37 (hg19) VCF-style: chr6-7585972-G-A.
Other names: c.8477G>A (LRG_423t1); c.6680G>A, p.Arg2227His (NM_001008844.3); c.7148G>A, p.Arg2383His (NM_001319034.2); short protein forms R2826H, R2383H, R2227H.
Identifiers: ClinVar variation 629485 (VCV000629485.18), dbSNP rs548754771, ClinGen allele CA052461.

ClinVar aggregate classification (germline): Conflicting classifications of pathogenicity. Review status: criteria provided, conflicting classifications (1 of 4 stars). 5 submissions from 5 submitters: Uncertain significance (3); Likely benign (1). 1 of the submissions does not count toward it. Last evaluated 2025-05-09.

Conditions:
Cardiovascular phenotype. Identifiers: MedGen CN230736.
Cardiomyopathy (CMYO). Also called: Cardiomyopathies. Identifiers: Orphanet 167848, MedGen C0878544, MONDO:0004994, HP:0001638. Inheritance: Various modes of inheritance.
Arrhythmogenic cardiomyopathy with wooly hair and keratoderma. Also called: PALMOPLANTAR KERATODERMA WITH LEFT VENTRICULAR CARDIOMYOPATHY AND WOOLLY HAIR; Carvajal syndrome; Dilated cardiomyopathy with woolly hair and keratoderma; Arrhythmogenic cardiomyopathy with woolly hair and keratoderma. Identifiers: Orphanet 65282, MedGen C1854063, MONDO:0011581, OMIM 605676.
Arrhythmogenic right ventricular dysplasia 8 (ARVD8). Also called: ARRHYTHMOGENIC RIGHT VENTRICULAR DYSPLASIA, FAMILIAL, 8; ARRHYTHMOGENIC RIGHT VENTRICULAR CARDIOMYOPATHY 8; Arrhythmogenic Right Ventricular Dysplasia/Cardiomyopathy 8. Identifiers: MedGen C1843896, MONDO:0011831, OMIM 607450.
Primary dilated cardiomyopathy (DCM). Also called: Dilated Cardiomyopathy. Identifiers: Orphanet 217604, MedGen C0007193, MeSH D002311, MONDO:0005021, HP:0001644. Inheritance: Various modes of inheritance.

Allele frequency attached by ClinVar (database versions not stated): ExAC 0.00001; gnomAD 0.00001 and 0.00002; TOPMed 0.00002; 1000 Genomes Project 30x 0.00016; 1000 Genomes Project 0.00020.
gnomAD v4.1: 10 of 1,609,744 alleles (0.00062%); highest among the groups gnomAD compares: African/African-American, 0.0027%; no homozygotes.

Submissions (5):

Ambry Genetics
Classification: Uncertain significance for Cardiovascular phenotype. Last evaluated: 2025-05-09. Review status: criteria provided, single submitter. Criteria: Ambry Variant Classification Scheme 2023. Collection method: clinical testing. Allele origin: germline.
Comment: The p.R2826H variant (also known as c.8477G>A), located in coding exon 24 of the DSP gene, results from a G to A substitution at nucleotide position 8477. The arginine at codon 2826 is replaced by histidine, an amino acid with highly similar properties. This variant has been detected in a family with dilated cardiomyopathy who also had additional variants in other cardiomyopathy-related genes (Cowan JR et al. Circ Genom Precis Med, 2018 07;11:e002038). This amino acid position is highly conserved in available vertebrate species. In addition, the in silico prediction for this alteration is inconclusive. Since supporting evidence is limited at this time, the clinical significance of this alteration remains unclear.

Labcorp Genetics (formerly Invitae), Labcorp
Classification: Likely benign for Arrhythmogenic cardiomyopathy with wooly hair and keratoderma; Arrhythmogenic right ventricular dysplasia 8. Last evaluated: 2025-04-08. Review status: criteria provided, single submitter. Criteria: Invitae Variant Classification Sherloc (09022015). Collection method: clinical testing. Allele origin: germline.

Color Diagnostics, LLC DBA Color Health
Classification: Uncertain significance for Cardiomyopathy. Last evaluated: 2024-07-10. Review status: criteria provided, single submitter. Criteria: ACMG Guidelines, 2015. Collection method: clinical testing. Allele origin: germline.
Comment: This missense variant replaces arginine with histidine at codon 2826 of the DSP protein. Computational prediction suggests that this variant may not impact protein structure and function (internally defined REVEL score threshold <= 0.5, PMID: 27666373). To our knowledge, functional studies have not been reported for this variant. This variant has been reported in two related individuals affected with severe dilated cardiomyopathy and conduction system disease, who also carried a truncation variant in the last exon of the TTN gene (PMID: 30012837). This variant has been identified in 1/247290 chromosomes in the general population by the Genome Aggregation Database (gnomAD). The available evidence is insufficient to determine the role of this variant in disease conclusively. Therefore, this variant is classified as a Variant of Uncertain Significance.

Center for Advanced Laboratory Medicine, UC San Diego Health, University of California San Diego
Classification: Uncertain significance for Dilated cardiomyopathy. Last evaluated: 2019-05-14. Review status: criteria provided, single submitter. Criteria: ACMG Guidelines, 2015. Collection method: clinical testing. Allele origin: germline. Affected: yes. Observed: 1 variant allele.

University of Washington Center for Mendelian Genomics, University of Washington
Classification: Uncertain significance for Dilated Cardiomyopathy. Review status: no assertion criteria provided. Collection method: research. Allele origin: inherited. Affected: yes. Not counted in ClinVar's aggregate classification.

Literature cited by the submitters: PubMed 30012837 (cited by 3 submitters).